The following is an entry in ClinVar:

NM_025137.4(SPG11):c.5416A>G (p.Ile1806Val)

Gene: SPG11 (SPG11 vesicle trafficking associated, spatacsin; minus strand). Cytogenetic location: 15q21.1.
Variant type: single nucleotide variant.
Coding change: c.5416A>G on transcript NM_025137.4 (MANE Select); coding-DNA position 5416, A replaced by G.
Protein change: p.Ile1806Val; replaces isoleucine 1806 with valine.
Molecular consequence: missense variant.
Genome position (GRCh38, 1-based): chr15:44,584,264, T>C on the plus strand (A>G on the coding strand, the complement: SPG11 is on the minus strand). VCF-style: chr15-44584264-T-C. GRCh37 (hg19) VCF-style: chr15-44876462-T-C.
Other names: c.5416A>G, p.Ile1806Val (NM_001160227.2); short protein forms I1806V.
Identifiers: ClinVar variation 466540 (VCV000466540.7), dbSNP rs1427065816, ClinGen allele CA392222592.

ClinVar aggregate classification (germline): Uncertain significance. Review status: criteria provided, multiple submitters, no conflicts (2 of 4 stars). 2 submissions from 2 submitters: Uncertain significance (2). Last evaluated 2022-06-21.

Conditions:
Inborn genetic diseases. Identifiers: MedGen C0950123, MeSH D030342.
Hereditary spastic paraplegia 11. Also called: SPASTIC PARAPLEGIA, AUTOSOMAL RECESSIVE, COMPLICATED, WITH THIN CORPUS CALLOSUM; SPASTIC PARAPLEGIA, AUTOSOMAL RECESSIVE, WITH MENTAL IMPAIRMENT AND THIN CORPUS CALLOSUM; Nakamura Osame syndrome; Autosomal recessive hereditary spastic paraplegia, mental impairment, and thin corpus callosum; Spastic paraplegia, mental retardation and thin corpus callosum; Spastic Paraplegia 11. Identifiers: Orphanet 2822, MedGen C1858479, MONDO:0011445, OMIM 604360.

Allele frequency attached by ClinVar (database versions not stated): gnomAD 0.00001; gnomAD exomes 0.00001.
gnomAD v4.1: 9 of 1,613,996 alleles (0.00056%); highest among the groups gnomAD compares: Non-Finnish European, 0.00076%; no homozygotes.

Submissions (2):

Ambry Genetics
Classification: Uncertain significance for Inborn genetic diseases. Last evaluated: 2022-06-21. Review status: criteria provided, single submitter. Criteria: Ambry Variant Classification Scheme 2023. Collection method: clinical testing. Allele origin: germline.
Comment: The p.I1806V variant (also known as c.5416A>G), located in coding exon 30 of the SPG11 gene, results from an A to G substitution at nucleotide position 5416. The isoleucine at codon 1806 is replaced by valine, an amino acid with highly similar properties. This amino acid position is conserved. In addition, this alteration is predicted to be tolerated by in silico analysis. Since supporting evidence is limited at this time, the clinical significance of this alteration remains unclear.

Labcorp Genetics (formerly Invitae), Labcorp
Classification: Uncertain significance for Hereditary spastic paraplegia 11. Last evaluated: 2021-12-27. Review status: criteria provided, single submitter. Criteria: Invitae Variant Classification Sherloc (09022015). Collection method: clinical testing. Allele origin: germline.
Comment: This sequence change replaces isoleucine, which is neutral and non-polar, with valine, which is neutral and non-polar, at codon 1806 of the SPG11 protein (p.Ile1806Val). This variant is present in population databases (no rsID available, gnomAD 0.007%). This variant has not been reported in the literature in individuals affected with SPG11-related conditions. ClinVar contains an entry for this variant (Variation ID: 466540). Algorithms developed to predict the effect of missense changes on protein structure and function output the following: SIFT: "Tolerated"; PolyPhen-2: "Possibly Damaging"; Align-GVGD: "Class C0". The valine amino acid residue is found in multiple mammalian species, which suggests that this missense change does not adversely affect protein function. In summary, the available evidence is currently insufficient to determine the role of this variant in disease. Therefore, it has been classified as a Variant of Uncertain Significance.